The following is an entry in ClinVar:

ClinVar aggregate classification (germline): Uncertain significance. Review status: criteria provided, multiple submitters, no conflicts (2 of 4 stars). 3 submissions from 3 submitters: Uncertain significance (3). Last evaluated 2022-10-14.

Conditions:
TG-related disorder. Also called: TG-related condition; TG-related disorders.
Iodotyrosyl coupling defect (TDH3). Also called: HYPOTHYROIDISM, CONGENITAL, DUE TO DYSHORMONOGENESIS, 3; THYROID HORMONOGENESIS, GENETIC DEFECT IN, 3. Identifiers: Orphanet 95716, MedGen C0342194, MONDO:0010135, OMIM 274700.
Autoimmune thyroid disease, susceptibility to, 3. Identifiers: MedGen C1842444, MONDO:0011982, OMIM 608175.

Allele frequency attached by ClinVar (database versions not stated): ESP Exome Variant Server 0.00008; TOPMed 0.00009; gnomAD 0.00012 and 0.00013; 1000 Genomes Project 30x 0.00016; ExAC 0.00016; gnomAD exomes 0.00017; 1000 Genomes Project 0.00020.
gnomAD v4.1: 283 of 1,612,840 alleles (0.018%); highest among the groups gnomAD compares: East Asian, 0.14%; no homozygotes.

Submissions (3):

PreventionGenetics, part of Exact Sciences
Classification: Uncertain significance for TG-related condition. Last evaluated: 2022-10-14. Review status: criteria provided, single submitter. Criteria: ACMG Guidelines, 2015. Collection method: clinical testing. Allele origin: germline.
Comment: The TG c.4982G>A variant is predicted to result in the amino acid substitution p.Arg1661His. This variant was reported in an individual with congenital hypothyroidism together with a nonsense variant in DUOX2 gene (Table S1, Wang et al. 2020. PubMed ID: 32425884). This variant is reported in 0.11% of alleles in individuals of East Asian descent in gnomAD. At this time, the clinical significance of this variant is uncertain due to the absence of conclusive functional and genetic evidence.

Fulgent Genetics
Classification: Uncertain significance for Iodotyrosyl coupling defect; Autoimmune thyroid disease, susceptibility to, 3. Last evaluated: 2021-10-07. Review status: criteria provided, single submitter. Criteria: ACMG Guidelines, 2015. Collection method: clinical testing. Allele origin: unknown.

Illumina Laboratory Services, Illumina
Classification: Uncertain significance for Iodotyrosyl coupling defect. Last evaluated: 2018-01-12. Review status: criteria provided, single submitter. Criteria: ICSL Variant Classification Criteria 13 December 2019. Collection method: clinical testing. Allele origin: germline.

NM_003235.5(TG):c.4982G>A (p.Arg1661His)

Gene: TG (thyroglobulin; plus strand). Cytogenetic location: 8q24.22.
Variant type: single nucleotide variant.
Coding change: c.4982G>A on transcript NM_003235.5 (MANE Select); coding-DNA position 4982, G replaced by A.
Protein change: p.Arg1661His; replaces arginine 1661 with histidine.
Molecular consequence: missense variant.
Genome position (GRCh38, 1-based): chr8:132,935,805, G>A. VCF-style: chr8-132935805-G-A. GRCh37 (hg19) VCF-style: chr8-133948050-G-A.
Other names: short protein forms R1661H.
Identifiers: ClinVar variation 361968 (VCV000361968.7), dbSNP rs115509019, ClinGen allele CA4884328.